The following is an entry in ClinVar:

ClinVar aggregate classification (germline): Uncertain significance (1 of 4 stars; one submission).

Conditions:
Hereditary cancer-predisposing syndrome. Also called: Neoplastic Syndromes, Hereditary; Tumor predisposition; Hereditary Cancer Syndrome; Hereditary neoplastic syndrome. Identifiers: Orphanet 140162, MedGen C0027672, MeSH D009386, MONDO:0015356.

Submission:

Ambry Genetics
Classification: Uncertain significance for Hereditary cancer-predisposing syndrome. Last evaluated: 2025-06-25. Review status: criteria provided, single submitter. Criteria: Ambry Variant Classification Scheme 2023. Collection method: clinical testing. Allele origin: germline.
Comment: The p.L570I variant (also known as c.1708C>A), located in coding exon 8 of the BARD1 gene, results from a C to A substitution at nucleotide position 1708. The leucine at codon 570 is replaced by isoleucine, an amino acid with highly similar properties. This amino acid position is well conserved in available vertebrate species. In addition, this alteration is predicted to be tolerated by in silico analysis. Since supporting evidence is limited at this time, the clinical significance of this alteration remains unclear.

NM_000465.4(BARD1):c.1708C>A (p.Leu570Ile)

Gene: BARD1 (BRCA1 associated RING domain 1; minus strand). Cytogenetic location: 2q35.
Variant type: single nucleotide variant.
Coding change: c.1708C>A on transcript NM_000465.4 (MANE Select); coding-DNA position 1708, C replaced by A.
Protein change: p.Leu570Ile; replaces leucine 570 with isoleucine.
Molecular consequence: missense variant. On other transcripts: non-coding transcript variant (3), intron variant (1).
Genome position (GRCh38, 1-based): chr2:214,745,824, G>T on the plus strand (C>A on the coding strand, the complement: BARD1 is on the minus strand). VCF-style: chr2-214745824-G-T. GRCh37 (hg19) VCF-style: chr2-215610548-G-T.
Other names: c.1651C>A, p.Leu551Ile (NM_001282543.2); c.355C>A, p.Leu119Ile (NM_001282545.2); c.298C>A, p.Leu100Ile (NM_001282548.2); c.365-15316C>A (NM_001282549.2); short protein forms L100I, L551I, L119I, L570I.
Identifiers: ClinVar variation 819900 (VCV000819900.5), dbSNP rs876659288, ClinGen allele CA350453227.